The following is an entry in ClinVar:

NM_005267.5(GJA8):c.122C>T (p.Ala41Val)

Gene: GJA8 (gap junction protein alpha 8; plus strand). Cytogenetic location: 1q21.2.
Variant type: single nucleotide variant.
Coding change: c.122C>T on transcript NM_005267.5 (MANE Select); coding-DNA position 122, C replaced by T.
Protein change: p.Ala41Val; replaces alanine 41 with valine.
Molecular consequence: missense variant.
Genome position (GRCh38, 1-based): chr1:147,908,077, C>T. VCF-style: chr1-147908077-C-T. GRCh37 (hg19) VCF-style: chr1-147380204-C-T.
Other names: c.122C>T (NM_005267.4); short protein forms A41V.
Identifiers: ClinVar variation 2740113 (VCV002740113.4), dbSNP rs782542091, ClinGen allele CA1065872.

ClinVar aggregate classification (germline): Uncertain significance. Review status: criteria provided, multiple submitters, no conflicts (2 of 4 stars). 2 submissions from 2 submitters: Uncertain significance (2). Last evaluated 2024-11-24.

Conditions:
Inborn genetic diseases. Identifiers: MedGen C0950123, MeSH D030342.
Cataract 1 multiple types. Also called: CATARACT, DUFFY-LINKED; CATARACT 1, POSTERIOR SUBCAPSULAR, WITH MICROCORNEA; CATARACT 1, STELLATE NUCLEAR, WITH MICROCORNEA; CATARACT 1, NUCLEAR PROGRESSIVE; CATARACT 1 WITH MICROCORNEA; CATARACT 1, MULTIPLE TYPES, WITH OR WITHOUT MICROCORNEA. Identifiers: Orphanet 1377, MedGen C1861828, MONDO:0007285, OMIM 116200.

Allele frequency attached by ClinVar (database versions not stated): gnomAD exomes below 0.00001; ExAC 0.00001; gnomAD 0.00002; TOPMed 0.00003.
gnomAD v4.1: 9 of 1,614,058 alleles (0.00056%); highest among the groups gnomAD compares: Admixed American, 0.013%; 1 homozygote.

Submissions (2):

Ambry Genetics
Classification: Uncertain significance for Inborn genetic diseases. Last evaluated: 2024-11-24. Review status: criteria provided, single submitter. Criteria: Ambry Variant Classification Scheme 2023. Collection method: clinical testing. Allele origin: germline.

Labcorp Genetics (formerly Invitae), Labcorp
Classification: Uncertain significance for Cataract 1 multiple types. Last evaluated: 2024-02-05. Review status: criteria provided, single submitter. Criteria: Invitae Variant Classification Sherloc (09022015). Collection method: clinical testing. Allele origin: germline.
Comment: This sequence change replaces alanine, which is neutral and non-polar, with valine, which is neutral and non-polar, at codon 41 of the GJA8 protein (p.Ala41Val). This variant is present in population databases (rs782542091, gnomAD 0.006%). This variant has not been reported in the literature in individuals affected with GJA8-related conditions. Advanced modeling of protein sequence and biophysical properties (such as structural, functional, and spatial information, amino acid conservation, physicochemical variation, residue mobility, and thermodynamic stability) performed at Invitae indicates that this missense variant is expected to disrupt GJA8 protein function with a positive predictive value of 80%. In summary, the available evidence is currently insufficient to determine the role of this variant in disease. Therefore, it has been classified as a Variant of Uncertain Significance.